The following is an entry in ClinVar:

ClinVar aggregate classification (germline): Uncertain significance (1 of 4 stars; one submission).

Conditions:
Disseminated atypical mycobacterial infection. Identifiers: MedGen C0694566.

gnomAD v4.1: 6 of 1,614,136 alleles (0.00037%); highest among the groups gnomAD compares: Non-Finnish European, 0.00051%; no homozygotes.

Submission:

Labcorp Genetics (formerly Invitae), Labcorp
Classification: Uncertain significance for Disseminated atypical mycobacterial infection. Last evaluated: 2025-03-07. Review status: criteria provided, single submitter. Criteria: Invitae Variant Classification Sherloc (09022015). Collection method: clinical testing. Allele origin: germline.
Comment: This sequence change replaces aspartic acid, which is acidic and polar, with alanine, which is neutral and non-polar, at codon 415 of the IFNGR1 protein (p.Asp415Ala). This variant is present in population databases (rs775862895, gnomAD 0.0009%). This variant has not been reported in the literature in individuals affected with IFNGR1-related conditions. Invitae Evidence Modeling of protein sequence and biophysical properties (such as structural, functional, and spatial information, amino acid conservation, physicochemical variation, residue mobility, and thermodynamic stability) has been performed for this missense variant. However, the output from this modeling did not meet the statistical confidence thresholds required to predict the impact of this variant on IFNGR1 protein function. In summary, the available evidence is currently insufficient to determine the role of this variant in disease. Therefore, it has been classified as a Variant of Uncertain Significance.

NM_000416.3(IFNGR1):c.1244A>C (p.Asp415Ala)

Gene: IFNGR1 (interferon gamma receptor 1; minus strand). Cytogenetic location: 6q23.3.
Variant type: single nucleotide variant.
Coding change: c.1244A>C on transcript NM_000416.3 (MANE Select); coding-DNA position 1244, A replaced by C.
Protein change: p.Asp415Ala; replaces aspartic acid 415 with alanine.
Molecular consequence: missense variant.
Genome position (GRCh38, 1-based): chr6:137,198,257, T>G on the plus strand (A>C on the coding strand, the complement: IFNGR1 is on the minus strand). VCF-style: chr6-137198257-T-G. GRCh37 (hg19) VCF-style: chr6-137519394-T-G.
Other names: c.1214A>C, p.Asp405Ala (NM_001363526.1); c.1121A>C, p.Asp374Ala (NM_001363527.1); short protein forms D415A, D405A, D374A.
Identifiers: ClinVar variation 4743819 (VCV004743819.1).
Genomic context (GRCh38, chr6:137,198,257, plus strand): 5'-TTATTATTTGGGGGAAATTCTGAGTCAGATAAGGAGCTATGTGATTCCAGACAGCTGGAA[T>G]CAGTATCAAAACCATTTCTGGAGTGATCACTCTCAGAACAATTTCTGGAGTGATACGAGT-3'
Protein context (NP_000407.1, residues 405-425): SDHSRNGFDT[Asp415Ala]SSCLESHSSL